The following is an entry in ClinVar:

ClinVar aggregate classification (germline): Uncertain significance. Review status: criteria provided, multiple submitters, no conflicts (2 of 4 stars). 2 submissions from 2 submitters: Uncertain significance (2). Last evaluated 2025-08-26.

Allele frequency attached by ClinVar (database versions not stated): gnomAD exomes below 0.00001.
gnomAD v4.1: 2 of 1,613,326 alleles (0.00012%); highest among the groups gnomAD compares: Admixed American, 0.0017%; no homozygotes.

Submissions (2):

Dasa
Classification: Uncertain significance. Last evaluated: 2025-08-26. Review status: criteria provided, single submitter. Criteria: DASA Assertion Criteria. Collection method: clinical testing. Allele origin: germline.
Comment: NM_032119.4(ADGRV1):c.17374T>A (p.Cys5792Ser) is a missense variant that results in the substitution of cysteine with serine. This variant is rare in population databases. The currently available literature and clinical evidence are not sufficient to establish a definitive association between this variant and the reported condition. Therefore, this variant is classified as a variant of uncertain significance.

Labcorp Genetics (formerly Invitae), Labcorp
Classification: Uncertain significance. Last evaluated: 2024-02-24. Review status: criteria provided, single submitter. Criteria: Invitae Variant Classification Sherloc (09022015). Collection method: clinical testing. Allele origin: germline.
Comment: This sequence change replaces cysteine, which is neutral and slightly polar, with serine, which is neutral and polar, at codon 5792 of the ADGRV1 protein (p.Cys5792Ser). This variant is not present in population databases (gnomAD no frequency). This variant has not been reported in the literature in individuals affected with ADGRV1-related conditions. ClinVar contains an entry for this variant (Variation ID: 2118491). Advanced modeling of protein sequence and biophysical properties (such as structural, functional, and spatial information, amino acid conservation, physicochemical variation, residue mobility, and thermodynamic stability) has been performed at Invitae for this missense variant, however the output from this modeling did not meet the statistical confidence thresholds required to predict the impact of this variant on ADGRV1 protein function. In summary, the available evidence is currently insufficient to determine the role of this variant in disease. Therefore, it has been classified as a Variant of Uncertain Significance.

NM_032119.4(ADGRV1):c.17374T>A (p.Cys5792Ser)

Gene: ADGRV1 (adhesion G protein-coupled receptor V1; plus strand). Cytogenetic location: 5q14.3.
Variant type: single nucleotide variant.
Coding change: c.17374T>A on transcript NM_032119.4 (MANE Select); coding-DNA position 17374, T replaced by A.
Protein change: p.Cys5792Ser; replaces cysteine 5792 with serine.
Molecular consequence: missense variant. On other transcripts: non-coding transcript variant (1).
Genome position (GRCh38, 1-based): chr5:90,853,453, T>A. VCF-style: chr5-90853453-T-A. GRCh37 (hg19) VCF-style: chr5-90149270-T-A.
Other names: short protein forms C5792S.
Identifiers: ClinVar variation 2118491 (VCV002118491.5), dbSNP rs1201770421, ClinGen allele CA360430215.